The following is an entry in ClinVar:

NM_001349338.3(FOXP1):c.1510C>T (p.Arg504Cys)

Genes: FOXP1 (forkhead box P1; minus strand), LOC126806714 (BRD4-independent group 4 enhancer GRCh37_chr3:71025197-71026396; plus strand). Cytogenetic location: 3p13.
Variant type: single nucleotide variant.
Coding change: c.1510C>T on transcript NM_001349338.3 (MANE Select); coding-DNA position 1510, C replaced by T.
Protein change: p.Arg504Cys; replaces arginine 504 with cysteine.
Molecular consequence: missense variant. On other transcripts: non-coding transcript variant (2).
Genome position (GRCh38, 1-based): chr3:70,976,961, G>A on the plus strand (C>T on the coding strand, the complement: FOXP1 is on the minus strand). VCF-style: chr3-70976961-G-A. GRCh37 (hg19) VCF-style: chr3-71026112-G-A.
Other names: c.1510C>T, p.Arg504Cys (NM_001349339.1, NM_001349340.3, NM_032682.6 and 3 more transcripts); c.1507C>T, p.Arg503Cys (NM_001349341.3, NM_001244808.3); c.1210C>T, p.Arg404Cys (NM_001349342.3, NM_001244813.3, NM_001244815.2); c.1207C>T, p.Arg403Cys (NM_001349343.3, NM_001349344.3, NM_001370548.1 and 1 more transcripts); c.1282C>T, p.Arg428Cys (NM_001244812.3); short protein forms R403C, R428C, R404C, R504C, R503C.
Identifiers: ClinVar variation 2803308 (VCV002803308.3), dbSNP rs797045585, ClinGen allele CA76529268.

ClinVar aggregate classification (germline): Uncertain significance (1 of 4 stars; one submission).

Allele frequency attached by ClinVar (database versions not stated): gnomAD exomes below 0.00001; TOPMed below 0.00001.
gnomAD v4.1: 6 of 1,613,904 alleles (0.00037%); highest among the groups gnomAD compares: Non-Finnish European, 0.00042%; no homozygotes.

Submission:

Labcorp Genetics (formerly Invitae), Labcorp
Classification: Uncertain significance. Last evaluated: 2023-04-06. Review status: criteria provided, single submitter. Criteria: Invitae Variant Classification Sherloc (09022015). Collection method: clinical testing. Allele origin: germline.
Comment: In summary, the available evidence is currently insufficient to determine the role of this variant in disease. Therefore, it has been classified as a Variant of Uncertain Significance. This sequence change replaces arginine, which is basic and polar, with cysteine, which is neutral and slightly polar, at codon 504 of the FOXP1 protein (p.Arg504Cys). This variant is not present in population databases (gnomAD no frequency). This variant has not been reported in the literature in individuals affected with FOXP1-related conditions. Advanced modeling of protein sequence and biophysical properties (such as structural, functional, and spatial information, amino acid conservation, physicochemical variation, residue mobility, and thermodynamic stability) has been performed at Invitae for this missense variant, however the output from this modeling did not meet the statistical confidence thresholds required to predict the impact of this variant on FOXP1 protein function.